The following is an entry in ClinVar:

ClinVar aggregate classification (germline): Uncertain significance (1 of 4 stars; one submission).

Submission:

Labcorp Genetics (formerly Invitae), Labcorp
Classification: Uncertain significance. Last evaluated: 2020-01-19. Review status: criteria provided, single submitter. Criteria: Invitae Variant Classification Sherloc (09022015). Collection method: clinical testing. Allele origin: germline.
Comment: This variant is not present in population databases (ExAC no frequency). This variant has not been reported in the literature in individuals with GNAT1-related conditions. In summary, the available evidence is currently insufficient to determine the role of this variant in disease. Therefore, it has been classified as a Variant of Uncertain Significance. This sequence change results in a frameshift in the GNAT1 gene (p.Ile339Hisfs*95). While this is not anticipated to result in nonsense mediated decay, it is expected to disrupt the last 12 amino acids of the GNAT1 protein and extend the protein by an additional 82 amino acids.

NM_144499.3(GNAT1):c.1014dup (p.Ile339fs)

Gene: GNAT1 (G protein subunit alpha transducin 1; plus strand). Cytogenetic location: 3p21.31.
Variant type: Duplication.
Coding change: c.1014dup on transcript NM_144499.3 (MANE Select); coding-DNA position 1014, one base duplicated (C; older notation c.1014dupC).
Protein change: p.Ile339fs; shifts the reading frame from isoleucine 339.
Molecular consequence: frameshift variant.
Genome position (GRCh38, 1-based): chr3:50,194,916, C duplicated. VCF-style (leftmost placement, unchanged base first): chr3-50194915-T-TC. GRCh37 (hg19) VCF-style: chr3-50232348-T-TC.
Other names: c.1014dup, p.Ile339fs (NM_000172.4); short protein forms I339fs.
Identifiers: ClinVar variation 1051227 (VCV001051227.5), dbSNP rs2109140172, ClinGen allele CA2499216920.